The following is an entry in ClinVar:

ClinVar aggregate classification (germline): Conflicting classifications of pathogenicity. Review status: criteria provided, conflicting classifications (1 of 4 stars). 5 submissions from 4 submitters: Uncertain significance (2); Likely benign (3). Last evaluated 2024-06-12.

Conditions:
Orofacial cleft 11 (OFC11). Also called: Orofacial cleft 11; ofc11; CLEFT LIP WITH OR WITHOUT CLEFT PALATE, NONSYNDROMIC, 11. Identifiers: MedGen C2677434, MONDO:0010906, OMIM 600625.
Microphthalmia with brain and digit anomalies (MCOPS6). Also called: MICROPHTHALMIA AND PITUITARY ANOMALIES; Microphthalmia, syndromic 6. Identifiers: Orphanet 139471, MedGen C1864689, MONDO:0011936, OMIM 607932.
Congenital heart disease (CHD). Identifiers: MedGen C0152021, MONDO:0005453. Disease mechanism: unknown.

Allele frequency attached by ClinVar (database versions not stated): gnomAD 0.00001; ExAC 0.00002; gnomAD exomes 0.00002; TOPMed 0.00004.

Submissions (5):

Fulgent Genetics
Classification: Likely benign for Orofacial cleft 11; Microphthalmia with brain and digit anomalies. Last evaluated: 2024-06-12. Review status: criteria provided, single submitter. Criteria: ACMG Guidelines, 2015. Collection method: clinical testing. Allele origin: germline.

Cambridge Genomics Laboratory, East Genomic Laboratory Hub, NHS Genomic Medicine Service
Classification: Likely benign for Congenital heart disease. Last evaluated: 2020-01-10. Review status: criteria provided, single submitter. Criteria: ACGS Best Practice Guidelines for Variant Classification in Rare Disease 2020. Collection method: clinical testing. Allele origin: germline. Affected: yes. Observed: 1 variant allele.

Illumina Laboratory Services, Illumina
Classification: Uncertain significance for Orofacial cleft 11. Last evaluated: 2018-01-12. Review status: criteria provided, single submitter. Criteria: ICSL Variant Classification Criteria 13 December 2019. Collection method: clinical testing. Allele origin: germline.

Illumina Laboratory Services, Illumina
Classification: Likely benign for Microphthalmia with brain and digit anomalies. Last evaluated: 2018-01-12. Review status: criteria provided, single submitter. Criteria: ICSL Variant Classification Criteria 13 December 2019. Collection method: clinical testing. Allele origin: germline.
Comment: This variant was observed in the ICSL laboratory as part of a predisposition screen in an ostensibly healthy population. It had not been previously curated by ICSL or reported in the Human Gene Mutation Database (HGMD: prior to June 1st, 2018), and was therefore a candidate for classification through an automated scoring system. Utilizing variant allele frequency, disease prevalence and penetrance estimates, and inheritance mode, an automated score was calculated to assess if this variant is too frequent to cause the disease. Based on the score and internal cut-off values, a variant classified as likely benign is not then subjected to further curation. The score for this variant resulted in a classification of likely benign for this disease.

GeneDx
Classification: Uncertain significance. Last evaluated: 2017-01-12. Review status: criteria provided, single submitter. Criteria: GeneDx Variant Classification (06012015). Collection method: clinical testing. Allele origin: germline. Affected: yes.
Comment: A variant of uncertain significance has been identified in the BMP4 gene. The Q72R variant has not been published as a pathogenic variant, nor has it been reported as a benign variant to our knowledge. It is not observed at a significant frequency in large population cohorts (Lek et al., 2016; 1000 Genomes Consortium et al., 2015; Exome Variant Server). The Q72R variant is a semi-conservative amino acid substitution, which may impact secondary protein structure as these residues differ in some properties. This substitution occurs at a position that is conserved in mammals; however, Arginine is observed at this position in evolution. In silico analysis is inconsistent in its predictions as to whether or not the Q72R variant is damaging to the protein structure/function. Therefore, based on the currently available information, it is unclear whether this variant is a pathogenic variant or a rare benign variant.

NM_001202.6(BMP4):c.215A>G (p.Gln72Arg)

Gene: BMP4 (bone morphogenetic protein 4; minus strand). Cytogenetic location: 14q22.2.
Variant type: single nucleotide variant.
Coding change: c.215A>G on transcript NM_001202.6 (MANE Select); coding-DNA position 215, A replaced by G.
Protein change: p.Gln72Arg; replaces glutamine 72 with arginine.
Molecular consequence: missense variant.
Genome position (GRCh38, 1-based): chr14:53,952,008, T>C on the plus strand (A>G on the coding strand, the complement: BMP4 is on the minus strand). VCF-style: chr14-53952008-T-C. GRCh37 (hg19) VCF-style: chr14-54418726-T-C.
Other names: c.356A>G, p.Gln119Arg (NM_001347912.1); c.26A>G, p.Gln9Arg (NM_001347913.2, NM_001347915.2, NM_001347917.1); c.215A>G, p.Gln72Arg (NM_001347914.2, NM_001347916.1, NM_130850.5 and 1 more transcripts); short protein forms Q72R, Q9R, Q119R.
Identifiers: ClinVar variation 313354 (VCV000313354.9), dbSNP rs771047931, ClinGen allele CA7191809.